The following is an entry in ClinVar:

NM_018124.4(RFWD3):c.1858del (p.Gln620fs)

Gene: RFWD3 (ring finger and WD repeat domain 3; minus strand). Cytogenetic location: 16q23.1.
Variant type: Deletion.
Coding change: c.1858del on transcript NM_018124.4 (MANE Select); coding-DNA position 1858, one base deleted (C; older notation c.1858delC).
Protein change: p.Gln620fs; shifts the reading frame from glutamine 620.
Molecular consequence: frameshift variant.
Genome position (GRCh38, 1-based): chr16:74,628,563, G deleted on the plus strand (C on the coding strand, the reverse complement: RFWD3 is on the minus strand). VCF-style (leftmost placement, unchanged base first): chr16-74628562-TG-T. GRCh37 (hg19) VCF-style: chr16-74662460-TG-T.
Other names: c.1858del, p.Gln620fs (NM_001370534.1, NM_001370535.1); c.1681del, p.Gln561fs (NM_001370536.1); c.1024del, p.Gln342fs (NM_001370537.1, NM_001370539.1, NM_001370540.1 and 2 more transcripts); c.1024delC, p.Gln342Argfs (NM_001370541.1); short protein forms Q342fs, Q620fs, Q561fs.
Identifiers: ClinVar variation 2824038 (VCV002824038.3), dbSNP rs2543934835, ClinGen allele CA2739266890.
Genomic context (GRCh38, chr16:74,628,562, plus strand): 5'-TCTATGCAGCCCCCTGGCTCCAAGGGCAGCACATGAGGCCAATGAGAAAAGTCCATTTTC[TG>T]TTCCCAGAATGAAGCATCCTCCAAGGTTCCAGCCAGCACCCCACCATATGGAAATGCAGC-3'

ClinVar aggregate classification (germline): Uncertain significance (1 of 4 stars; one submission).

Submission:

Labcorp Genetics (formerly Invitae), Labcorp
Classification: Uncertain significance. Last evaluated: 2023-10-10. Review status: criteria provided, single submitter. Criteria: Invitae Variant Classification Sherloc (09022015). Collection method: clinical testing. Allele origin: germline.
Comment: This sequence change creates a premature translational stop signal (p.Gln620Argfs*20) in the RFWD3 gene. It is expected to result in an absent or disrupted protein product. However, the current clinical and genetic evidence is not sufficient to establish whether loss-of-function variants in RFWD3 cause disease. This variant is not present in population databases (gnomAD no frequency). This variant has not been reported in the literature in individuals affected with RFWD3-related conditions. In summary, the available evidence is currently insufficient to determine the role of this variant in disease. Therefore, it has been classified as a Variant of Uncertain Significance.